The following is an entry in ClinVar:

ClinVar aggregate classification (germline): Conflicting classifications of pathogenicity. Review status: criteria provided, conflicting classifications (1 of 4 stars). 3 submissions from 3 submitters: Uncertain significance (1); Likely benign (2). Last evaluated 2025-01-25.

Conditions:
JAG1-related disorder. Also called: JAG1-related condition; JAG1-related disorders.

Allele frequency attached by ClinVar (database versions not stated): gnomAD 0.00003 and 0.00005; TOPMed 0.00006; ESP Exome Variant Server 0.00008; gnomAD exomes 0.00008; ExAC 0.00010; 1000 Genomes Project 30x 0.00031; 1000 Genomes Project 0.00040.
gnomAD v4.1: 46 of 1,613,016 alleles (0.0029%); highest among the groups gnomAD compares: South Asian, 0.02%; no homozygotes.

Submissions (3):

PreventionGenetics, part of Exact Sciences
Classification: Likely benign for JAG1-related condition. Last evaluated: 2025-01-25. Review status: criteria provided, single submitter. Criteria: ACMG Guidelines, 2015. Collection method: clinical testing. Allele origin: germline.
Comment: This variant is classified as likely benign based on ACMG/AMP sequence variant interpretation guidelines (Richards et al. 2015 PMID: 25741868, with internal and published modifications).

Blueprint Genetics
Classification: Likely benign. Last evaluated: 2024-10-17. Review status: criteria provided, single submitter. Criteria: ACMG Guidelines, 2015. Collection method: clinical testing. Allele origin: germline.

Eurofins Ntd Llc (ga)
Classification: Uncertain significance. Last evaluated: 2018-03-21. Review status: criteria provided, single submitter. Criteria: EGL ClinVar v180209 classification definitions. Collection method: clinical testing. Allele origin: germline. Observed: 1 variant allele, 1 heterozygote.

NM_000214.3(JAG1):c.*9G>A

Gene: JAG1 (jagged canonical Notch ligand 1; minus strand). Cytogenetic location: 20p12.2.
Variant type: single nucleotide variant.
Coding change: c.*9G>A on transcript NM_000214.3 (MANE Select); 9 bases downstream of the stop codon, G replaced by A.
Molecular consequence: 3 prime UTR variant.
Genome position (GRCh38, 1-based): chr20:10,639,489, C>T on the plus strand (G>A on the coding strand, the complement: JAG1 is on the minus strand). VCF-style: chr20-10639489-C-T. GRCh37 (hg19) VCF-style: chr20-10620137-C-T.
Other names: c.*9G>A (LRG_1191t1, NM_000214.2).
Identifiers: ClinVar variation 596594 (VCV000596594.7), dbSNP rs372620326, ClinGen allele CA9764162.